The following is an entry in ClinVar:

ClinVar aggregate classification (germline): Uncertain significance. Review status: criteria provided, multiple submitters, no conflicts (2 of 4 stars). 2 submissions from 2 submitters: Uncertain significance (2). Last evaluated 2024-03-23.

Conditions:
Hereditary cancer-predisposing syndrome. Also called: Hereditary Cancer Syndrome; Neoplastic Syndromes, Hereditary; Hereditary neoplastic syndrome; Tumor predisposition. Identifiers: Orphanet 140162, MedGen C0027672, MeSH D009386, MONDO:0015356.
Ataxia-telangiectasia syndrome (AT). Also called: Cerebello-oculocutaneous telangiectasia; Immunodeficiency with ataxia telangiectasia; Ataxia-telangiectasia, complementation group E; Ataxia-telangiectasia, complementation group D; AT, COMPLEMENTATION GROUP C; ATAXIA-TELANGIECTASIA, COMPLEMENTATION GROUP A. Identifiers: Orphanet 100, MedGen C0004135, MONDO:0008840, OMIM 208900.

Submissions (2):

Ambry Genetics
Classification: Uncertain significance for Hereditary cancer-predisposing syndrome. Last evaluated: 2024-03-23. Review status: criteria provided, single submitter. Criteria: Ambry Variant Classification Scheme 2023. Collection method: clinical testing. Allele origin: germline.
Comment: The p.L572I variant (also known as c.1714T>A), located in coding exon 10 of the ATM gene, results from a T to A substitution at nucleotide position 1714. The leucine at codon 572 is replaced by isoleucine, an amino acid with highly similar properties. This amino acid position is well conserved in available vertebrate species. In addition, this alteration is predicted to be tolerated by in silico analysis. Since supporting evidence is limited at this time, the clinical significance of this alteration remains unclear.

Labcorp Genetics (formerly Invitae), Labcorp
Classification: Uncertain significance for Ataxia-telangiectasia syndrome. Last evaluated: 2023-12-20. Review status: criteria provided, single submitter. Criteria: Invitae Variant Classification Sherloc (09022015). Collection method: clinical testing. Allele origin: germline.
Comment: This sequence change replaces leucine, which is neutral and non-polar, with isoleucine, which is neutral and non-polar, at codon 572 of the ATM protein (p.Leu572Ile). This variant is not present in population databases (gnomAD no frequency). This variant has not been reported in the literature in individuals affected with ATM-related conditions. ClinVar contains an entry for this variant (Variation ID: 819891). Algorithms developed to predict the effect of missense changes on protein structure and function output the following: SIFT: "Not Available"; PolyPhen-2: "Benign"; Align-GVGD: "Not Available". The isoleucine amino acid residue is found in multiple mammalian species, which suggests that this missense change does not adversely affect protein function. In summary, the available evidence is currently insufficient to determine the role of this variant in disease. Therefore, it has been classified as a Variant of Uncertain Significance.

NM_000051.4(ATM):c.1714T>A (p.Leu572Ile)

Gene: ATM (ATM serine/threonine kinase; plus strand). Cytogenetic location: 11q22.3.
Variant type: single nucleotide variant.
Coding change: c.1714T>A on transcript NM_000051.4 (MANE Select); coding-DNA position 1714, T replaced by A.
Protein change: p.Leu572Ile; replaces leucine 572 with isoleucine.
Molecular consequence: missense variant.
Genome position (GRCh38, 1-based): chr11:108,251,943, T>A. VCF-style: chr11-108251943-T-A. GRCh37 (hg19) VCF-style: chr11-108122670-T-A.
Other names: c.1714T>A, p.Leu572Ile (NM_001351834.2); short protein forms L572I.
Identifiers: ClinVar variation 819891 (VCV000819891.15), dbSNP rs749216212, ClinGen allele CA382535265.
Genomic context (GRCh38, chr11:108,251,943, plus strand): 5'-CCAGGAACGGTAAAAATGGGAATAGAGCAAAATATGTGTGAAGTAAATAGAAGCTTTTCT[T>A]TAAAGGAATCAATAATGAAATGGCTCTTATTCTATCAGTTAGAGGGTGACTTAGAAAATA-3'
Protein context (NP_000042.3, residues 562-582): NMCEVNRSFS[Leu572Ile]KESIMKWLLF